The following is an entry in ClinVar:

ClinVar aggregate classification (germline): Uncertain significance (1 of 4 stars; one submission).

Conditions:
LAMA2-related muscular dystrophy (LAMA2-RD). Also called: Laminin alpha 2-related dystrophy. Identifiers: MedGen C5679788, MONDO:0100228.

gnomAD v4.1: 3 of 1,614,004 alleles (0.00019%); highest among the groups gnomAD compares: Non-Finnish European, 0.000085%; no homozygotes.

Submission:

Labcorp Genetics (formerly Invitae), Labcorp
Classification: Uncertain significance for LAMA2-related muscular dystrophy. Last evaluated: 2022-03-01. Review status: criteria provided, single submitter. Criteria: Invitae Variant Classification Sherloc (09022015). Collection method: clinical testing. Allele origin: germline.
Comment: This sequence change replaces aspartic acid, which is acidic and polar, with glutamic acid, which is acidic and polar, at codon 2833 of the LAMA2 protein (p.Asp2833Glu). This variant is present in population databases (no rsID available, gnomAD no frequency). This variant has not been reported in the literature in individuals affected with LAMA2-related conditions. Advanced modeling of protein sequence and biophysical properties (such as structural, functional, and spatial information, amino acid conservation, physicochemical variation, residue mobility, and thermodynamic stability) performed at Invitae indicates that this missense variant is not expected to disrupt LAMA2 protein function. In summary, the available evidence is currently insufficient to determine the role of this variant in disease. Therefore, it has been classified as a Variant of Uncertain Significance.

NM_000426.4(LAMA2):c.8499C>A (p.Asp2833Glu)

Gene: LAMA2 (laminin subunit alpha 2; plus strand). Cytogenetic location: 6q22.33.
Variant type: single nucleotide variant.
Coding change: c.8499C>A on transcript NM_000426.4 (MANE Select); coding-DNA position 8499, C replaced by A.
Protein change: p.Asp2833Glu; replaces aspartic acid 2833 with glutamic acid.
Molecular consequence: missense variant.
Genome position (GRCh38, 1-based): chr6:129,503,232, C>A. VCF-style: chr6-129503232-C-A. GRCh37 (hg19) VCF-style: chr6-129824377-C-A.
Other names: c.8487C>A, p.Asp2829Glu (NM_001079823.2); short protein forms D2829E, D2833E.
Identifiers: ClinVar variation 2065559 (VCV002065559.1), dbSNP rs1271055496, ClinGen allele CA365634332.